The following is an entry in ClinVar:

ClinVar aggregate classification (germline): Uncertain significance (1 of 4 stars; one submission).

Conditions:
Cardiovascular phenotype. Identifiers: MedGen CN230736.

Submission:

Ambry Genetics
Classification: Uncertain significance for Cardiovascular phenotype. Last evaluated: 2023-11-27. Review status: criteria provided, single submitter. Criteria: Ambry Variant Classification Scheme 2023. Collection method: clinical testing. Allele origin: germline.
Comment: The p.I162T variant (also known as c.485T>C), located in coding exon 5 of the TRPM4 gene, results from a T to C substitution at nucleotide position 485. The isoleucine at codon 162 is replaced by threonine, an amino acid with similar properties. This amino acid position is conserved. In addition, this alteration is predicted to be tolerated by in silico analysis. Since supporting evidence is limited at this time, the clinical significance of this alteration remains unclear.

NM_017636.4(TRPM4):c.485T>C (p.Ile162Thr)

Gene: TRPM4 (transient receptor potential cation channel subfamily M member 4; plus strand). Cytogenetic location: 19q13.33.
Variant type: single nucleotide variant.
Coding change: c.485T>C on transcript NM_017636.4 (MANE Select); coding-DNA position 485, T replaced by C.
Protein change: p.Ile162Thr; replaces isoleucine 162 with threonine.
Molecular consequence: missense variant. On other transcripts: 5 prime UTR variant (2), intron variant (2).
Genome position (GRCh38, 1-based): chr19:49,168,296, T>C. VCF-style: chr19-49168296-T-C. GRCh37 (hg19) VCF-style: chr19-49671553-T-C.
Other names: c.485T>C, p.Ile162Thr (NM_001195227.2); c.-1069T>C (NM_001321282.2); c.-38T>C (NM_001321283.2); c.268-257T>C (NM_001321281.2); c.-237-257T>C (NM_001321285.2); short protein forms I162T.
Identifiers: ClinVar variation 3227031 (VCV003227031.1), dbSNP rs2514058565, ClinGen allele CA406791022.